The following is an entry in ClinVar:

ClinVar aggregate classification (germline): Likely benign. Review status: criteria provided, multiple submitters, no conflicts (2 of 4 stars). 3 submissions from 3 submitters: Likely benign (3). Last evaluated 2025-02-03.

Allele frequency attached by ClinVar (database versions not stated): TOPMed below 0.00001; gnomAD 0.00001; gnomAD exomes 0.00003; ExAC 0.00009.
gnomAD v4.1: 53 of 1,613,954 alleles (0.0033%); highest among the groups gnomAD compares: South Asian, 0.053%; 1 homozygote.

Submissions (3):

Labcorp Genetics (formerly Invitae), Labcorp
Classification: Likely benign. Last evaluated: 2025-02-03. Review status: criteria provided, single submitter. Criteria: Invitae Variant Classification Sherloc (09022015). Collection method: clinical testing. Allele origin: germline.

Blueprint Genetics
Classification: Likely benign. Last evaluated: 2024-11-07. Review status: criteria provided, single submitter. Criteria: ACMG Guidelines, 2015. Collection method: clinical testing. Allele origin: germline.

CeGaT Center for Human Genetics Tuebingen
Classification: Likely benign. Last evaluated: 2023-03-01. Review status: criteria provided, single submitter. Criteria: CeGaT Center For Human Genetics Tuebingen Variant Classification Criteria Version 2. Collection method: clinical testing. Allele origin: germline. Affected: yes. Observed: 1 variant allele.
Comment: HSPG2: BP4, BP7

NM_005529.7(HSPG2):c.2910C>T (p.Ser970=)

Gene: HSPG2 (heparan sulfate proteoglycan 2; minus strand). Cytogenetic location: 1p36.12.
Variant type: single nucleotide variant.
Coding change: c.2910C>T on transcript NM_005529.7 (MANE Select); coding-DNA position 2910, C replaced by T.
Protein change: p.Ser970=; no amino-acid change (serine 970 retained).
Molecular consequence: synonymous variant.
Genome position (GRCh38, 1-based): chr1:21,876,322, G>A on the plus strand (C>T on the coding strand, the complement: HSPG2 is on the minus strand). VCF-style: chr1-21876322-G-A. GRCh37 (hg19) VCF-style: chr1-22202815-G-A.
Other names: c.2913C>T, p.Ser971= (NM_001291860.2).
Identifiers: ClinVar variation 2638463 (VCV002638463.26), dbSNP rs748506946, ClinGen allele CA672812.